The following is an entry in ClinVar:

ClinVar aggregate classification (germline): Likely pathogenic (1 of 4 stars; one submission).

Submission:

Labcorp Genetics (formerly Invitae), Labcorp
Classification: Likely pathogenic. Last evaluated: 2023-10-07. Review status: criteria provided, single submitter. Criteria: Invitae Variant Classification Sherloc (09022015). Collection method: clinical testing. Allele origin: germline.
Comment: This sequence change affects a donor splice site in intron 5 of the ACAD9 gene. It is expected to disrupt RNA splicing. Variants that disrupt the donor or acceptor splice site typically lead to a loss of protein function (PMID: 16199547), and loss-of-function variants in ACAD9 are known to be pathogenic (PMID: 25721401). This variant is not present in population databases (gnomAD no frequency). This variant has not been reported in the literature in individuals affected with ACAD9-related conditions. Algorithms developed to predict the effect of sequence changes on RNA splicing suggest that this variant may disrupt the consensus splice site. In summary, the currently available evidence indicates that the variant is pathogenic, but additional data are needed to prove that conclusively. Therefore, this variant has been classified as Likely Pathogenic.

Literature cited by the submitters: PubMed 16199547; PubMed 25721401.

NM_014049.5(ACAD9):c.554+1G>C

Gene: ACAD9 (acyl-CoA dehydrogenase family member 9; plus strand). Cytogenetic location: 3q21.3.
Variant type: single nucleotide variant.
Coding change: c.554+1G>C on transcript NM_014049.5 (MANE Select); the canonical splice donor site of the intron after coding-DNA position 554, G replaced by C.
Molecular consequence: splice donor variant.
Genome position (GRCh38, 1-based): chr3:128,896,537, G>C. VCF-style: chr3-128896537-G-C. GRCh37 (hg19) VCF-style: chr3-128615380-G-C.
Other names: c.185+1G>C (NM_001410805.1).
Identifiers: ClinVar variation 2766655 (VCV002766655.3), dbSNP rs2107651375, ClinGen allele CA354433749.